The following is an entry in ClinVar:

ClinVar aggregate classification (germline): Pathogenic (1 of 4 stars; one submission).

Conditions:
Severe myoclonic epilepsy in infancy (DRVT). Also called: Epileptic encephalopathy, early infantile, 6 (Dravet syndrome); SEVERE MYOCLONIC EPILEPSY OF INFANCY; DEVELOPMENTAL AND EPILEPTIC ENCEPHALOPATHY 6A; Severe Myoclonic Epilepsy in Infancy (SMEI); Dravet syndrome. Identifiers: Orphanet 33069, MedGen C0751122, MONDO:0100135, OMIM 607208.

Submission:

Center for Bioinformatics, Peking University
Classification: Pathogenic for Dravet syndrome. Last evaluated: 2014-12-20. Review status: criteria provided, single submitter. Criteria: Xu et al. (Hum Mutat. 2015). Collection method: research. Allele origin: de novo. Affected: yes. Observed: 1 variant allele. Study: University Clinical Cooperation “985 Project” PKU-2014-1-1.
Comment: Dravet syndrome (DS) probands were recruited from the outpatient and inpatient child neurology units of Peking University First Hospital from 2005 till present. The study was approved by the Ethics Committee of Peking University First Hospital and the Institutional Review Board at Peking University. Participants or their parents provided written informed consent before enrollment. We collected a total of 267 mutations from 255 families with probands diagnosed with DS in China. All probands fulfilled the clinical diagnostic criteria.

NM_001165963.4(SCN1A):c.2479T>G (p.Tyr827Asp)

Gene: SCN1A (sodium voltage-gated channel alpha subunit 1; minus strand). Cytogenetic location: 2q24.3.
Variant type: single nucleotide variant.
Coding change: c.2479T>G on transcript NM_001165963.4 (MANE Select); coding-DNA position 2479, T replaced by G.
Protein change: p.Tyr827Asp; replaces tyrosine 827 with aspartic acid.
Molecular consequence: missense variant. On other transcripts: non-coding transcript variant (1).
Genome position (GRCh38, 1-based): chr2:166,039,533, A>C on the plus strand (T>G on the coding strand, the complement: SCN1A is on the minus strand). VCF-style: chr2-166039533-A-C. GRCh37 (hg19) VCF-style: chr2-166896043-A-C.
Other names: c.2392T>G, p.Tyr798Asp (NM_001353960.2); c.37T>G, p.Tyr13Asp (NM_001353961.2); c.2446T>G, p.Tyr816Asp (NM_006920.6, NM_001353949.2, NM_001353950.2 and 2 more transcripts); c.2395T>G, p.Tyr799Asp (NM_001165964.3, NM_001353957.2, NM_001353958.2); c.2479T>G, p.Tyr827Asp (NM_001202435.3, NM_001353948.2); c.2443T>G, p.Tyr815Asp (NM_001353954.2, NM_001353955.2); short protein forms Y816D, Y827D, Y13D, Y799D, Y798D, Y815D.
Identifiers: ClinVar variation 189971 (VCV000189971.1), dbSNP rs794726805, ClinGen allele CA303448.